The following is an entry in ClinVar:

ClinVar aggregate classification (germline): Uncertain significance (1 of 4 stars; one submission).

Conditions:
Multiple endocrine neoplasia, type 2 (MEN2). Identifiers: Orphanet 653, MedGen C4048306, MONDO:0019003. Disease mechanism: gain of function.

Submission:

Labcorp Genetics (formerly Invitae), Labcorp
Classification: Uncertain significance for Multiple endocrine neoplasia, type 2. Last evaluated: 2025-12-08. Review status: criteria provided, single submitter. Criteria: Invitae Variant Classification Sherloc (09022015). Collection method: clinical testing. Allele origin: germline.
Comment: This sequence change falls in intron 11 of the RET gene. It does not directly change the encoded amino acid sequence of the RET protein. It affects a nucleotide within the consensus splice site. This variant is not present in population databases (gnomAD no frequency). This variant has not been reported in the literature in individuals affected with RET-related conditions. Variants that disrupt the consensus splice site are a relatively common cause of aberrant splicing (PMID: 17576681, 9536098). Algorithms developed to predict the effect of sequence changes on RNA splicing suggest that this variant is not likely to affect RNA splicing. In summary, the available evidence is currently insufficient to determine the role of this variant in disease. Therefore, it has been classified as a Variant of Uncertain Significance.

Literature cited by the submitters: PubMed 17576681; PubMed 9536098.

NM_020975.6(RET):c.2136+6G>C

Gene: RET (ret proto-oncogene; plus strand). Cytogenetic location: 10q11.21.
Variant type: single nucleotide variant.
Coding change: c.2136+6G>C on transcript NM_020975.6 (MANE Select); 6 bases into the intron after coding-DNA position 2136, G replaced by C.
Molecular consequence: intron variant.
Genome position (GRCh38, 1-based): chr10:43,114,742, G>C. VCF-style: chr10-43114742-G-C. GRCh37 (hg19) VCF-style: chr10-43610190-G-C.
Other names: c.2136+6G>C (NM_020630.7, NM_001406743.1, NM_001406744.1 and 2 more transcripts); c.2001+6G>C (NM_001406765.1, NM_001406763.1); c.1740+6G>C (NM_001406772.1, NM_001406769.1); c.1698+6G>C (NM_001406773.1, NM_001406771.1); c.1239+6G>C (NM_001406782.1, NM_001406780.1, NM_001406779.1 and 1 more transcripts); c.1104+6G>C (NM_001406787.1); c.1119+6G>C (NM_001406785.1); c.2007+6G>C (NM_001406764.1, NM_001406762.1, NM_001406761.1); and 10 more.
Identifiers: ClinVar variation 4732705 (VCV004732705.1).